The following is an entry in ClinVar:

NM_002335.4(LRP5):c.4482C>A (p.Tyr1494Ter)

Gene: LRP5 (LDL receptor related protein 5; plus strand). Cytogenetic location: 11q13.2.
Variant type: single nucleotide variant.
Coding change: c.4482C>A on transcript NM_002335.4 (MANE Select); coding-DNA position 4482, C replaced by A.
Protein change: p.Tyr1494Ter; replaces tyrosine 1494 with a stop codon.
Molecular consequence: nonsense.
Genome position (GRCh38, 1-based): chr11:68,439,910, C>A. VCF-style: chr11-68439910-C-A. GRCh37 (hg19) VCF-style: chr11-68207378-C-A.
Other names: c.2739C>A, p.Tyr913Ter (NM_001291902.2); short protein forms Y1494*, Y913*.
Identifiers: ClinVar variation 2085576 (VCV002085576.4), dbSNP rs1230271892, ClinGen allele CA381616224.

ClinVar aggregate classification (germline): Pathogenic (1 of 4 stars; one submission).

Submission:

Labcorp Genetics (formerly Invitae), Labcorp
Classification: Pathogenic. Last evaluated: 2023-07-17. Review status: criteria provided, single submitter. Criteria: Invitae Variant Classification Sherloc (09022015). Collection method: clinical testing. Allele origin: germline.
Comment: This variant has not been reported in the literature in individuals affected with LRP5-related conditions. For these reasons, this variant has been classified as Pathogenic. ClinVar contains an entry for this variant (Variation ID: 2085576). This variant is not present in population databases (gnomAD no frequency). This sequence change creates a premature translational stop signal (p.Tyr1494*) in the LRP5 gene. It is expected to result in an absent or disrupted protein product. Loss-of-function variants in LRP5 are known to be pathogenic (PMID: 11719191, 16252235, 25711638).

Literature cited by the submitters: PubMed 11719191; PubMed 16252235; PubMed 25711638.